The following is an entry in ClinVar:

ClinVar aggregate classification (germline): Likely pathogenic (1 of 4 stars; one submission).

Conditions:
Cornelia de Lange syndrome 3 (CDLS3). Also called: SMC3-Related Cornelia de Lange Syndrome; CORNELIA DE LANGE SYNDROME 3 WITH OR WITHOUT MIDLINE BRAIN DEFECTS. Identifiers: Orphanet 199, MedGen C1853099, MONDO:0012555, OMIM 610759.

Submission:

Dasa
Classification: Likely pathogenic for Cornelia de Lange syndrome 3. Last evaluated: 2026-03-05. Review status: criteria provided, single submitter. Criteria: DASA Assertion Criteria. Collection method: clinical testing. Allele origin: germline.
Comment: NM_005445.4(SMC3):c.3082G>C (p.Ala1028Pro) is a missense variant that results in the substitution of alanine with proline. This variant is absent from population databases. Computational evidence supports a deleterious effect. Based on the currently available evidence, this variant is classified as likely pathogenic.

NM_005445.4(SMC3):c.3082G>C (p.Ala1028Pro)

Gene: SMC3 (structural maintenance of chromosomes 3; plus strand). Cytogenetic location: 10q25.2.
Variant type: single nucleotide variant.
Coding change: c.3082G>C on transcript NM_005445.4 (MANE Select); coding-DNA position 3082, G replaced by C.
Protein change: p.Ala1028Pro; replaces alanine 1028 with proline.
Molecular consequence: missense variant.
Genome position (GRCh38, 1-based): chr10:110,602,155, G>C. VCF-style: chr10-110602155-G-C. GRCh37 (hg19) VCF-style: chr10-112361913-G-C.
Other names: short protein forms A1028P.
Identifiers: ClinVar variation 4882900 (VCV004882900.2).
Genomic context (GRCh38, chr10:110,602,155, plus strand): 5'-GATAGGGGTTACAAATCAATCATGGAACTGATGAATGTACTTGAACTTCGGAAATATGAA[G>C]CTATTCAGTTAACTTTCAAACAGGTATGTTTCGCTTTGTAGTTAAAACATACACACAGAG-3'
Protein context (NP_005436.1, residues 1018-1038): MNVLELRKYE[Ala1028Pro]IQLTFKQVSK